The following is an entry in ClinVar:

NM_003184.4(TAF2):c.56G>T (p.Gly19Val)

Genes: TAF2 (TATA-box binding protein associated factor 2; minus strand), LOC130001012 (ATAC-STARR-seq lymphoblastoid active region 27842; plus strand). Cytogenetic location: 8q24.12.
Variant type: single nucleotide variant.
Coding change: c.56G>T on transcript NM_003184.4 (MANE Select); coding-DNA position 56, G replaced by T.
Protein change: p.Gly19Val; replaces glycine 19 with valine.
Molecular consequence: missense variant.
Genome position (GRCh38, 1-based): chr8:119,832,509, C>A on the plus strand (G>T on the coding strand, the complement: TAF2 is on the minus strand). VCF-style: chr8-119832509-C-A. GRCh37 (hg19) VCF-style: chr8-120844749-C-A.
Other names: c.56G>T, p.Gly19Val (NM_001437338.1, NM_001437339.1, NM_001438084.1); short protein forms G19V.
Identifiers: ClinVar variation 4695791 (VCV004695791.1).

ClinVar aggregate classification (germline): Uncertain significance (1 of 4 stars; one submission).

gnomAD v4.1: 9 of 1,613,950 alleles (0.00056%); highest among the groups gnomAD compares: South Asian, 0.0011%; no homozygotes.

Submission:

Labcorp Genetics (formerly Invitae), Labcorp
Classification: Uncertain significance. Last evaluated: 2025-11-02. Review status: criteria provided, single submitter. Criteria: Invitae Variant Classification Sherloc (09022015). Collection method: clinical testing. Allele origin: germline.
Comment: This sequence change replaces glycine, which is neutral and non-polar, with valine, which is neutral and non-polar, at codon 19 of the TAF2 protein (p.Gly19Val). This variant is present in population databases (rs757060271, gnomAD 0.003%). This variant has not been reported in the literature in individuals affected with TAF2-related conditions. An algorithm developed to predict the effect of missense changes on protein structure and function (PolyPhen-2) suggests that this variant is likely to be tolerated. Algorithms developed to predict the effect of sequence changes on RNA splicing suggest that this variant may create or strengthen a splice site. In summary, the available evidence is currently insufficient to determine the role of this variant in disease. Therefore, it has been classified as a Variant of Uncertain Significance.